The following is an entry in ClinVar:

NM_000310.4(PPT1):c.170T>A (p.Met57Lys)

Gene: PPT1 (palmitoyl-protein thioesterase 1; minus strand). Cytogenetic location: 1p34.2.
Variant type: single nucleotide variant.
Coding change: c.170T>A on transcript NM_000310.4 (MANE Select); coding-DNA position 170, T replaced by A.
Protein change: p.Met57Lys; replaces methionine 57 with lysine.
Molecular consequence: missense variant. On other transcripts: intron variant (1).
Genome position (GRCh38, 1-based): chr1:40,092,462, A>T on the plus strand (T>A on the coding strand, the complement: PPT1 is on the minus strand). VCF-style: chr1-40092462-A-T. GRCh37 (hg19) VCF-style: chr1-40558134-A-T.
Other names: c.170T>A, p.Met57Lys (NM_001363695.2); c.125-2950T>A (NM_001142604.2); short protein forms M57K.
Identifiers: ClinVar variation 2157866 (VCV002157866.2), dbSNP rs766489334, ClinGen allele CA789788.

ClinVar aggregate classification (germline): Uncertain significance. Review status: criteria provided, multiple submitters, no conflicts (2 of 4 stars). 2 submissions from 2 submitters: Uncertain significance (2). Last evaluated 2025-03-25.

Conditions:
Neuronal ceroid lipofuscinosis 1 (CLN1). Also called: PPT1-Related Neuronal Ceroid-Lipofuscinosis; CEROID LIPOFUSCINOSIS, NEURONAL, 1, VARIABLE AGE AT ONSET. Identifiers: Orphanet 228329, MedGen C1850451, MONDO:0009744, OMIM 256730.

gnomAD v4.1: 8 of 1,613,844 alleles (0.0005%); highest among the groups gnomAD compares: South Asian, 0.0088%; no homozygotes.

Submissions (2):

GeneDx
Classification: Uncertain significance. Last evaluated: 2025-03-25. Review status: criteria provided, single submitter. Criteria: GeneDx Variant Classification Process June 2021. Collection method: clinical testing. Allele origin: germline. Affected: yes.
Comment: Not observed at significant frequency in large population cohorts (gnomAD); In silico analysis supports that this missense variant has a deleterious effect on protein structure/function; Has not been previously published as pathogenic or benign to our knowledge

Labcorp Genetics (formerly Invitae), Labcorp
Classification: Uncertain significance for Neuronal ceroid lipofuscinosis 1. Last evaluated: 2021-12-23. Review status: criteria provided, single submitter. Criteria: Invitae Variant Classification Sherloc (09022015). Collection method: clinical testing. Allele origin: germline.
Comment: This sequence change replaces methionine, which is neutral and non-polar, with lysine, which is basic and polar, at codon 57 of the PPT1 protein (p.Met57Lys). This variant is present in population databases (rs766489334, gnomAD 0.003%). This variant has not been reported in the literature in individuals affected with PPT1-related conditions. Advanced modeling of protein sequence and biophysical properties (such as structural, functional, and spatial information, amino acid conservation, physicochemical variation, residue mobility, and thermodynamic stability) performed at Invitae indicates that this missense variant is expected to disrupt PPT1 protein function. Algorithms developed to predict the effect of sequence changes on RNA splicing suggest that this variant may create or strengthen a splice site. In summary, the available evidence is currently insufficient to determine the role of this variant in disease. Therefore, it has been classified as a Variant of Uncertain Significance.